The following is an entry in ClinVar:

ClinVar aggregate classification (germline): Uncertain significance. Review status: criteria provided, multiple submitters, no conflicts (2 of 4 stars). 2 submissions from 2 submitters: Uncertain significance (2). Last evaluated 2025-11-12.

Conditions:
Warts, hypogammaglobulinemia, infections, and myelokathexis. Also called: WHIM syndrome. Identifiers: MedGen C0472817, MONDO:0023880.

gnomAD v4.1: 16 of 1,612,412 alleles (0.00099%); highest among the groups gnomAD compares: Middle Eastern, 0.017%; no homozygotes.

Submissions (2):

Labcorp Genetics (formerly Invitae), Labcorp
Classification: Uncertain significance for Warts, hypogammaglobulinemia, infections, and myelokathexis. Last evaluated: 2025-11-12. Review status: criteria provided, single submitter. Criteria: Invitae Variant Classification Sherloc (09022015). Collection method: clinical testing. Allele origin: germline.
Comment: This sequence change replaces arginine, which is basic and polar, with glutamine, which is neutral and polar, at codon 334 of the CXCR4 protein (p.Arg334Gln). The frequency data for this variant in the population databases is considered unreliable, as metrics indicate poor data quality at this position in the gnomAD database. This variant has not been reported in the literature in individuals affected with CXCR4-related conditions. An algorithm developed to predict the effect of missense changes on protein structure and function (PolyPhen-2) suggests that this variant is likely to be tolerated. In summary, the available evidence is currently insufficient to determine the role of this variant in disease. Therefore, it has been classified as a Variant of Uncertain Significance.

Mayo Clinic Laboratories, Mayo Clinic
Classification: Uncertain significance. Last evaluated: 2025-10-23. Review status: criteria provided, single submitter. Criteria: ACMG Guidelines, 2015. Collection method: clinical testing. Allele origin: germline. Observed: 1 variant allele.
Comment: BP4

NM_003467.3(CXCR4):c.1001G>A (p.Arg334Gln)

Gene: CXCR4 (C-X-C motif chemokine receptor 4; minus strand). Cytogenetic location: 2q22.1.
Variant type: single nucleotide variant.
Coding change: c.1001G>A on transcript NM_003467.3 (MANE Select); coding-DNA position 1001, G replaced by A.
Protein change: p.Arg334Gln; replaces arginine 334 with glutamine.
Molecular consequence: missense variant.
Genome position (GRCh38, 1-based): chr2:136,114,927, C>T on the plus strand (G>A on the coding strand, the complement: CXCR4 is on the minus strand). VCF-style: chr2-136114927-C-T. GRCh37 (hg19) VCF-style: chr2-136872497-C-T.
Other names: p.Arg334Gln; c.1013G>A, p.Arg338Gln (NM_001008540.2); c.1214G>A, p.Arg405Gln (NM_001348056.2); c.1100G>A, p.Arg367Gln (NM_001348059.2); c.956G>A, p.Arg319Gln (NM_001348060.2); short protein forms R405Q, R367Q, R319Q, R338Q, R334Q.
Identifiers: ClinVar variation 4540681 (VCV004540681.2).
Genomic context (GRCh38, chr2:136,114,927, plus strand): 5'-TGTTAGCTGGAGTGAAAACTTGAAGACTCAGACTCAGTGGAAACAGATGAATGTCCACCT[C>T]GCTTTCCTTTGGAGAGGATCTTGAGGCTGGACCCTCTGCTCACAGAGGTGAGTGCGTGCT-3'
Protein context (NP_003458.1, residues 324-344): SSLKILSKGK[Arg334Gln]GGHSSVSTES